The following is an entry in ClinVar:

ClinVar aggregate classification (germline): Uncertain significance (1 of 4 stars; one submission).

Conditions:
Hereditary cancer-predisposing syndrome. Also called: Neoplastic Syndromes, Hereditary; Tumor predisposition; Hereditary Cancer Syndrome; Hereditary neoplastic syndrome. Identifiers: Orphanet 140162, MedGen C0027672, MeSH D009386, MONDO:0015356.

Submission:

Ambry Genetics
Classification: Uncertain significance for Hereditary cancer-predisposing syndrome. Last evaluated: 2025-10-12. Review status: criteria provided, single submitter. Criteria: Ambry Variant Classification Scheme 2023. Collection method: clinical testing. Allele origin: germline.
Comment: The p.E293G variant (also known as c.878A>G), located in coding exon 6 of the FLCN gene, results from an A to G substitution at nucleotide position 878. The glutamic acid at codon 293 is replaced by glycine, an amino acid with similar properties. This amino acid position is conserved. In addition, the in silico prediction for this alteration is inconclusive. Based on the available evidence, the clinical significance of this variant remains unclear.

NM_144997.7(FLCN):c.878A>G (p.Glu293Gly)

Gene: FLCN (folliculin; minus strand). Cytogenetic location: 17p11.2.
Variant type: single nucleotide variant.
Coding change: c.878A>G on transcript NM_144997.7 (MANE Select); coding-DNA position 878, A replaced by G.
Protein change: p.Glu293Gly; replaces glutamic acid 293 with glycine.
Molecular consequence: missense variant.
Genome position (GRCh38, 1-based): chr17:17,219,203, T>C on the plus strand (A>G on the coding strand, the complement: FLCN is on the minus strand). VCF-style: chr17-17219203-T-C. GRCh37 (hg19) VCF-style: chr17-17122517-T-C.
Other names: c.932A>G, p.Glu311Gly (NM_001353229.2); c.878A>G, p.Glu293Gly (NM_001353230.2, NM_001353231.2); short protein forms E293G, E311G.
Identifiers: ClinVar variation 4642984 (VCV004642984.1).